The following is an entry in ClinVar:

ClinVar aggregate classification (germline): Likely pathogenic. Review status: criteria provided, multiple submitters, no conflicts (2 of 4 stars). 2 submissions from 2 submitters: Likely pathogenic (2). Last evaluated 2026-02-19.

Conditions:
Inborn genetic diseases. Identifiers: MedGen C0950123, MeSH D030342.
TP63-related disorder. Also called: TP63-related condition; TP63-Related Disorders. Identifiers: MedGen CN380159.

Submissions (2):

Ambry Genetics
Classification: Likely pathogenic for Inborn genetic diseases. Last evaluated: 2026-02-19. Review status: criteria provided, single submitter. Criteria: Ambry Variant Classification Scheme 2023. Collection method: clinical testing. Allele origin: germline.
Comment: The c.25C>T (p.Q9*) alteration, located in exon 1 (coding exon 1) of the TP63 gene, consists of a C to T substitution at nucleotide position 25. This changes the amino acid from a glutamine (Q) to a stop codon at amino acid position 9. The predicted stop codon occurs in the 5' end of the TP63 gene. Premature termination codons in the 5&rsquo; end of a gene have been reported to escape nonsense-mediated mRNA decay and/or lead to re-initiation (Rivas, 2015; Lindeboom, 2016; Rhee, 2017). Direct evidence for this variant is unavailable; however, premature termination codons are typically deleterious in nature. for ectodermal dysplasia and multiple congenital anomalies; however, its clinical significance for primary ovarian insufficiency is uncertain This variant was not reported in population-based cohorts in the Genome Aggregation Database (gnomAD). This variant was determined to be de novo in at least one individual with features consistent with TP63-related ectodermal dysplasia and multiple congenital anomalies (Hori, 2022). Based on the available evidence, this alteration is classified as likely pathogenic.

Blueprint Genetics
Classification: Likely pathogenic for TP63-related disorders. Last evaluated: 2022-09-01. Review status: criteria provided, single submitter. Criteria: ACMG Guidelines, 2015. Collection method: clinical testing. Allele origin: germline. Affected: yes. Observed: 2 variant alleles.

Literature cited by the submitters: PubMed 35595744 (cited by Ambry Genetics).

NM_001114980.2(TP63):c.25C>T (p.Gln9Ter)

Gene: TP63 (tumor protein p63; plus strand). Cytogenetic location: 3q28.
Variant type: single nucleotide variant.
Coding change: c.25C>T on transcript NM_001114980.2 (MANE Plus Clinical); coding-DNA position 25, C replaced by T.
Protein change: p.Gln9Ter; replaces glutamine 9 with a stop codon.
Molecular consequence: nonsense. On other transcripts: intron variant (6).
Genome position (GRCh38, 1-based): chr3:189,789,825, C>T. VCF-style: chr3-189789825-C-T. GRCh37 (hg19) VCF-style: chr3-189507614-C-T.
Other names: c.25C>T, p.Gln9Ter (NM_001114981.2, NM_001114982.2, NM_001329145.2 and 3 more transcripts); c.319-18447C>T (NM_001329964.2); c.325-18447C>T (NM_003722.5, NM_001114978.2, NM_001329144.2 and 2 more transcripts); short protein forms Q9*.
Identifiers: ClinVar variation 4839837 (VCV004839837.2).